The following is an entry in ClinVar:

ClinVar aggregate classification (germline): Pathogenic (1 of 4 stars; one submission).

Conditions:
Spinal muscular atrophy (SMA). Identifiers: MedGen C0026847, MeSH D009134, MONDO:0001516, HP:0007269.

Submission:

Labcorp Genetics (formerly Invitae), Labcorp
Classification: Pathogenic for Spinal muscular atrophy. Last evaluated: 2024-01-30. Review status: criteria provided, single submitter. Criteria: Invitae Variant Classification Sherloc (09022015). Collection method: clinical testing. Allele origin: unknown.
Comment: This variant is a gross deletion of the genomic region encompassing exon 8 (conventionally referred to as exon 7) of the SMN1 gene. Due to the sequence similarity between other exons of SMN1 and SMN2, the presence of this variant is used to infer a whole-gene deletion of SMN1. This variant is clearly defined as a spinal muscular atrophy (SMA) causative allele (PMID: 11839954, 18572081). It has been reported in the homozygous state in approximately 96.4% of individuals affected with 5q13-linked SMA, and in the compound heterozygous state with a second loss-of-function SMN1 allele in the remaining 3.6% of affected individuals (PMID: 10679938). For these reasons, this variant has been classified as Pathogenic.

Literature cited by the submitters: PubMed 11839954; PubMed 18572081; PubMed 10679938.

NC_000005.9:g.(?_70247773)_(70247773_?)del

Variant type: Deletion.
Identifiers: ClinVar variation 3246280 (VCV003246280.1).